The following is an entry in ClinVar:

NM_000204.5(CFI):c.57+5_57+8del

Gene: CFI (complement factor I; minus strand). Cytogenetic location: 4q25.
Variant type: Microsatellite.
Coding change: c.57+5_57+8del on transcript NM_000204.5 (MANE Select); bases 5 to 8 of the intron after coding-DNA position 57, 4 bases deleted (GTAA; older notation c.57+5_57+8delGTAA).
Molecular consequence: splice donor variant.
Genome position (GRCh38, 1-based): chr4:109,801,907-109,801,910, TTAC deleted on the plus strand (GTAA on the coding strand, the reverse complement: CFI is on the minus strand); deleting any 4 consecutive bases within chr4:109,801,907-109,801,914 gives the same sequence; the c. name uses the placement nearest the transcript's 3' end. VCF-style (leftmost placement, unchanged base first): chr4-109801906-ATTAC-A. GRCh37 (hg19) VCF-style: chr4-110723062-ATTAC-A.
Other names: c.57+5_57+8del (NM_001375282.1, NM_001375280.1, NM_001375281.1 and 5 more transcripts); c.-128+5_-128+8del (NM_001375284.1).
Identifiers: ClinVar variation 2191358 (VCV002191358.5), dbSNP rs779389956, ClinGen allele CA3042370.

ClinVar aggregate classification (germline): Uncertain significance. Review status: criteria provided, multiple submitters, no conflicts (2 of 4 stars). 2 submissions from 2 submitters: Uncertain significance (2). Last evaluated 2024-11-01.

Submissions (2):

Blueprint Genetics
Classification: Uncertain significance. Last evaluated: 2024-11-01. Review status: criteria provided, single submitter. Criteria: ACMG Guidelines, 2015. Collection method: clinical testing. Allele origin: germline.

Labcorp Genetics (formerly Invitae), Labcorp
Classification: Uncertain significance. Last evaluated: 2023-08-07. Review status: criteria provided, single submitter. Criteria: Invitae Variant Classification Sherloc (09022015). Collection method: clinical testing. Allele origin: germline.
Comment: Variants that disrupt the consensus splice site are a relatively common cause of aberrant splicing (PMID: 17576681, 9536098). Algorithms developed to predict the effect of sequence changes on RNA splicing suggest that this variant is not likely to affect RNA splicing. In summary, the available evidence is currently insufficient to determine the role of this variant in disease. Therefore, it has been classified as a Variant of Uncertain Significance. This variant has not been reported in the literature in individuals affected with CFI-related conditions. This sequence change falls in intron 1 of the CFI gene. It does not directly change the encoded amino acid sequence of the CFI protein. It affects a nucleotide within the consensus splice site. The frequency data for this variant in the population databases is considered unreliable, as metrics indicate poor data quality at this position in the gnomAD database.

Literature cited by the submitters: PubMed 17576681 (cited by Labcorp Genetics (formerly Invitae), Labcorp); PubMed 9536098 (cited by Labcorp Genetics (formerly Invitae), Labcorp).